The following is an entry in ClinVar:

NM_201384.3(PLEC):c.11224C>A (p.Leu3742Met)

Gene: PLEC (plectin; minus strand). Cytogenetic location: 8q24.3.
Variant type: single nucleotide variant.
Coding change: c.11224C>A on transcript NM_201384.3 (MANE Select); coding-DNA position 11224, C replaced by A.
Protein change: p.Leu3742Met; replaces leucine 3742 with methionine.
Molecular consequence: missense variant.
Genome position (GRCh38, 1-based): chr8:143,918,597, G>T on the plus strand (C>A on the coding strand, the complement: PLEC is on the minus strand). VCF-style: chr8-143918597-G-T. GRCh37 (hg19) VCF-style: chr8-144992765-G-T.
Other names: c.11305C>A, p.Leu3769Met (NM_000445.5); c.7924C>A, p.Leu2642Met (NM_001410941.1); c.11182C>A, p.Leu3728Met (NM_201378.4); c.11158C>A, p.Leu3720Met (NM_201379.3); c.11635C>A, p.Leu3879Met (NM_201380.4); c.11128C>A, p.Leu3710Met (NM_201381.3); c.11224C>A, p.Leu3742Met (NM_201382.4); c.11236C>A, p.Leu3746Met (NM_201383.3); short protein forms L2642M, L3720M, L3879M, L3742M, L3769M, L3710M, L3728M, L3746M.
Identifiers: ClinVar variation 4792372 (VCV004792372.1).

ClinVar aggregate classification (germline): Uncertain significance (1 of 4 stars; one submission).

Conditions:
Epidermolysis bullosa simplex with nail dystrophy (EBS5D). Identifiers: MedGen C4225309, MONDO:0014661, OMIM 616487.
Epidermolysis bullosa simplex, Ogna type (EBS5A). Also called: EPIDERMOLYSIS BULLOSA SIMPLEX 5A, OGNA TYPE; Pidermolysis bullosa simplex 5A, Ogna type. Identifiers: Orphanet 79401, MedGen C0432317, MONDO:0007555, OMIM 131950.
Autosomal recessive limb-girdle muscular dystrophy type 2Q (LGMDR17). Also called: MUSCULAR DYSTROPHY, LIMB-GIRDLE, AUTOSOMAL RECESSIVE 17. Identifiers: Orphanet 254361, MedGen C3150989, MONDO:0013390, OMIM 613723.
Epidermolysis bullosa simplex 5B, with muscular dystrophy (EBS5B). Also called: EPIDERMOLYSIS BULLOSA SIMPLEX AND LIMB-GIRDLE MUSCULAR DYSTROPHY; Epidermolysis bullosa simplex with muscular dystrophy. Identifiers: Orphanet 257, MedGen C2931072, MONDO:0009181, OMIM 226670.
Epidermolysis bullosa simplex 5C, with pyloric atresia (EBS5C). Also called: PLEC-Related Epidermolysis Bullosa with Pyloric Atresia; Epidermolysis bullosa simplex with pyloric atresia; PLEC1-Related Epidermolysis Bullosa with Pyloric Atresia. Identifiers: Orphanet 158684, MedGen C2677349, MONDO:0012807, OMIM 612138.

gnomAD v4.1: 4 of 1,612,514 alleles (0.00025%); highest among the groups gnomAD compares: South Asian, 0.0044%; no homozygotes.

Submission:

Labcorp Genetics (formerly Invitae), Labcorp
Classification: Uncertain significance for Autosomal recessive limb-girdle muscular dystrophy type 2Q; Epidermolysis bullosa simplex, Ogna type; Epidermolysis bullosa simplex with nail dystrophy; Epidermolysis bullosa simplex 5C, with pyloric atresia; Epidermolysis bullosa simplex 5B, with muscular dystrophy. Last evaluated: 2025-12-22. Review status: criteria provided, single submitter. Criteria: Invitae Variant Classification Sherloc (09022015). Collection method: clinical testing. Allele origin: germline.
Comment: This sequence change replaces leucine, which is neutral and non-polar, with methionine, which is neutral and non-polar, at codon 3769 of the PLEC protein (p.Leu3769Met). This variant is present in population databases (no rsID available, gnomAD 0.007%). This variant has not been reported in the literature in individuals affected with PLEC-related conditions. An algorithm developed to predict the effect of missense changes on protein structure and function (PolyPhen-2) suggests that this variant is likely to be disruptive. In summary, the available evidence is currently insufficient to determine the role of this variant in disease. Therefore, it has been classified as a Variant of Uncertain Significance.